The following is an entry in ClinVar:

ClinVar aggregate classification (germline): Likely benign. Review status: criteria provided, multiple submitters, no conflicts (2 of 4 stars). 4 submissions from 4 submitters: Likely benign (4). Last evaluated 2026-09-16.

Conditions:
Inborn genetic diseases. Identifiers: MedGen C0950123, MeSH D030342.
Myeloproliferative neoplasm. Identifiers: Orphanet 98274, MedGen C1292778, MONDO:0020076.

gnomAD v4.1: 584 of 1,614,158 alleles (0.036%); highest among the groups gnomAD compares: Middle Eastern, 1.4%; 1 homozygote.

Submissions (4):

Dept of Medical Biology, Uskudar University
Classification: Likely benign for Myeloproliferative neoplasm. Last evaluated: 2026-09-16. Review status: criteria provided, single submitter. Criteria: Dept of Medical Biology Variant Classification. Collection method: research. Allele origin: germline. Affected: yes. Observed: 1 variant allele.
Comment: BS1: allele frequency 1.4e-02 in the Middle Eastern population and 3.8e-04 overall in gnomAD v4.1. BP7: synonymous variant with no predicted splicing effect (SpliceAI maximum delta score 0.00). BP6: classified as likely benign in ClinVar (VCV003440710). BS1 was applied at full strength where the gnomAD v4.1 grpmax filtering allele frequency exceeds 2.5e-04 (PMID:28518168) and at supporting strength where only the unfiltered population frequency does. Classified as likely benign under the ACMG/AMP 2015 guidelines (PMID:25741868). Detected in a retrospective series of 256 BCR::ABL1-negative and JAK2 V617F-negative patients referred for molecular investigation of a suspected myeloproliferative neoplasm (May 2007 to January 2015) and re-interpreted under the ACMG/AMP 2015 criteria.

CeGaT Center for Human Genetics Tuebingen
Classification: Likely benign. Last evaluated: 2025-05-01. Review status: criteria provided, single submitter. Criteria: CeGaT Center For Human Genetics Tuebingen Variant Classification Criteria Version 2. Collection method: clinical testing. Allele origin: germline. Affected: yes. Observed: 1 variant allele.
Comment: SH2B3: BP4, BS2

Ambry Genetics
Classification: Likely benign for Inborn genetic diseases. Last evaluated: 2024-10-02. Review status: criteria provided, single submitter. Criteria: Ambry Variant Classification Scheme 2023. Collection method: clinical testing. Allele origin: germline.

ARUP Laboratories, Molecular Genetics and Genomics, ARUP Laboratories
Classification: Likely benign. Last evaluated: 2024-05-21. Review status: criteria provided, single submitter. Criteria: ARUP Molecular Germline Variant Investigation Process 2024. Collection method: clinical testing. Allele origin: germline.

NM_005475.3(SH2B3):c.1368C>T (p.Val456=)

Gene: SH2B3 (SH2B adaptor protein 3; plus strand). Cytogenetic location: 12q24.12.
Variant type: single nucleotide variant.
Coding change: c.1368C>T on transcript NM_005475.3 (MANE Select); coding-DNA position 1368, C replaced by T.
Protein change: p.Val456=; no amino-acid change (valine 456 retained).
Molecular consequence: synonymous variant.
Genome position (GRCh38, 1-based): chr12:111,447,787, C>T. VCF-style: chr12-111447787-C-T. GRCh37 (hg19) VCF-style: chr12-111885591-C-T.
Other names: c.762C>T, p.Val254= (NM_001291424.1).
Identifiers: ClinVar variation 3440710 (VCV003440710.13).
Genomic context (GRCh38, chr12:111,447,787, plus strand): 5'-CATGCTCCACCACTTCCAGCGCTCGCCCATCCCACTCGAGTGCGGCGCCGCCTGTGATGT[C>T]CGGCTCTCCAGCTACGTGGTAGTCGTCTCCCAACCACCAGGTCTGACCCTACTGCCCTTT-3'
Protein context (NP_005466.1, residues 446-466): IPLECGAACD[Val456=]RLSSYVVVVS